The following is an entry in ClinVar:

ClinVar aggregate classification (germline): Uncertain significance (1 of 4 stars; one submission).

Submission:

GeneDx
Classification: Uncertain significance. Last evaluated: 2026-10-01. Review status: criteria provided, single submitter. Criteria: GeneDx Variant Classification Process June 2021. Collection method: clinical testing. Allele origin: germline.
Comment: Not observed at significant frequency in large population cohorts (gnomAD); In silico analysis indicates that this missense variant does not alter protein structure/function; Has not been previously published as pathogenic or benign to our knowledge.

NM_005257.6(GATA6):c.515C>T (p.Ser172Phe)

Gene: GATA6 (GATA binding protein 6; plus strand). Cytogenetic location: 18q11.2.
Variant type: single nucleotide variant.
Coding change: c.515C>T on transcript NM_005257.6 (MANE Select); coding-DNA position 515, C replaced by T.
Protein change: p.Ser172Phe; replaces serine 172 with phenylalanine.
Molecular consequence: missense variant.
Genome position (GRCh38, 1-based): chr18:22,171,659, C>T. VCF-style: chr18-22171659-C-T. GRCh37 (hg19) VCF-style: chr18-19751620-C-T.
Other names: short protein forms S172F.
Identifiers: ClinVar variation 3573900 (VCV003573900.2).